The following is an entry in ClinVar:

NM_024757.5(EHMT1):c.2382+1750G>A

Genes: EHMT1 (euchromatic histone lysine methyltransferase 1; plus strand), LOC651337 (uncharacterized LOC651337; minus strand). Cytogenetic location: 9q34.3.
Variant type: single nucleotide variant.
Coding change: c.2382+1750G>A on transcript NM_024757.5 (MANE Select); 1750 bases into the intron after coding-DNA position 2382, G replaced by A.
Molecular consequence: intron variant. On other transcripts: non-coding transcript variant (1), nonsense (1).
Genome position (GRCh38, 1-based): chr9:137,784,147, G>A. VCF-style: chr9-137784147-G-A. GRCh37 (hg19) VCF-style: chr9-140678599-G-A.
Other names: c.2424G>A, p.Trp808Ter (NM_001145527.2); c.2361+1750G>A (NM_001354263.2); c.2289+1750G>A (NM_001354259.2); short protein forms W808*.
Identifiers: ClinVar variation 3069171 (VCV003069171.1), dbSNP rs1951777300, ClinGen allele CA375784480.

ClinVar aggregate classification (germline): Uncertain significance (0 of 4 stars; one submission).

Conditions:
Kleefstra syndrome. Identifiers: Orphanet 261494, MedGen C4551771, MONDO:0012455.

Allele frequency attached by ClinVar (database versions not stated): TOPMed below 0.00001.

Submission:

Department of Traditional Chinese Medicine, Fujian Provincial Hospital
Classification: Uncertain significance for Kleefstra syndrome. Review status: no assertion criteria provided. Collection method: research. Allele origin: unknown.
Comment: According to the ACMG guidelines, this mutation site is consistent with PVS1_Strong (Null variant in a gene where loss of function is a known mechanism of disease) + PM2_Supporting (Absent from controls in the Exome Sequencing Project, 1000 Genomes or ExAC), so the mutation is considered of an unclear clinical significance.

Literature cited by the submitters: DOI 10.1007/s10048-019-00581-6.